The following is an entry in ClinVar:

ClinVar aggregate classification (germline): Uncertain significance. Review status: criteria provided, multiple submitters, no conflicts (2 of 4 stars). 2 submissions from 2 submitters: Uncertain significance (2). Last evaluated 2022-07-17.

Conditions:
Progressive familial heart block type IB (PFHB1B). Identifiers: Orphanet 871, MedGen C1970298, MONDO:0011474, OMIM 604559.

gnomAD v4.1: 2 of 1,614,072 alleles (0.00012%); highest among the groups gnomAD compares: Non-Finnish European, 0.00017%; no homozygotes.

Submissions (2):

Labcorp Genetics (formerly Invitae), Labcorp
Classification: Uncertain significance for Progressive familial heart block type IB. Last evaluated: 2022-07-17. Review status: criteria provided, single submitter. Criteria: Invitae Variant Classification Sherloc (09022015). Collection method: clinical testing. Allele origin: germline.
Comment: In summary, the available evidence is currently insufficient to determine the role of this variant in disease. Therefore, it has been classified as a Variant of Uncertain Significance. Algorithms developed to predict the effect of missense changes on protein structure and function output the following: SIFT: "Tolerated"; PolyPhen-2: "Benign"; Align-GVGD: "Class C0". The threonine amino acid residue is found in multiple mammalian species, which suggests that this missense change does not adversely affect protein function. This variant has not been reported in the literature in individuals affected with TRPM4-related conditions. This variant is not present in population databases (gnomAD no frequency). This sequence change replaces serine, which is neutral and polar, with threonine, which is neutral and polar, at codon 1098 of the TRPM4 protein (p.Ser1098Thr).

Breakthrough Genomics
Classification: Uncertain significance. Review status: criteria provided, single submitter. Criteria: ACMG Guidelines, 2015. Collection method: not provided. Allele origin: germline. Inheritance: Autosomal dominant inheritance. Affected: yes.

NM_017636.4(TRPM4):c.3293G>C (p.Ser1098Thr)

Gene: TRPM4 (transient receptor potential cation channel subfamily M member 4; plus strand). Cytogenetic location: 19q13.33.
Variant type: single nucleotide variant.
Coding change: c.3293G>C on transcript NM_017636.4 (MANE Select); coding-DNA position 3293, G replaced by C.
Protein change: p.Ser1098Thr; replaces serine 1098 with threonine.
Molecular consequence: missense variant.
Genome position (GRCh38, 1-based): chr19:49,210,370, G>C. VCF-style: chr19-49210370-G-C. GRCh37 (hg19) VCF-style: chr19-49713627-G-C.
Other names: c.2858G>C, p.Ser953Thr (NM_001195227.2); c.2948G>C, p.Ser983Thr (NM_001321281.2); c.1685G>C, p.Ser562Thr (NM_001321282.2); c.2771G>C, p.Ser924Thr (NM_001321283.2); c.2231G>C, p.Ser744Thr (NM_001321285.2); short protein forms S1098T, S562T, S744T, S924T, S953T, S983T.
Identifiers: ClinVar variation 1716625 (VCV001716625.6), dbSNP rs140418645, ClinGen allele CA406772121.
Genomic context (GRCh38, chr19:49,210,370, plus strand): 5'-CCTTTATCGTCATCTCCCACTTGCGCCTCCTGCTCAGGCAATTGTGCAGGCGACCCCGGA[G>C]CCCCCAGCCGTCCTCCCCGGCCCTCGAGCATTTCCGTAAGAACAGAGCTTGGCTTAAAAA-3'
Protein context (NP_060106.2, residues 1088-1108): LLRQLCRRPR[Ser1098Thr]PQPSSPALEH